The following is an entry in ClinVar:

GRCh38/hg38 16p13.3(chr16:2089462-2092132)x1

Genes: MIR1225 (microRNA 1225; minus strand), PKD1 (polycystin 1, transient receptor potential channel interacting; minus strand), PKD1-AS1 (PKD1 antisense RNA 1; plus strand), TSC2 (TSC complex subunit 2; plus strand). Cytogenetic location: 16p13.3.
Variant type: copy number loss.
Change: copy number 1 (one copy instead of two) of chr16:2,089,462-2,092,132 (2.7 kb, GRCh38 coordinates, 1-based), cytogenetic band 16p13.3.
Identifiers: ClinVar variation 58227 (VCV000058227.2).

ClinVar aggregate classification (germline): Likely pathogenic (1 of 4 stars; one submission).

Submission:

ISCA site 14
Classification: Likely pathogenic. Last evaluated: 2017-09-06. Review status: criteria provided, single submitter. Criteria: Kaminsky et al. (Genet Med. 2011). Collection method: clinical testing. Allele origin: unknown. Affected: yes. Observed: 2 variant alleles.
Comment: Copy number variation identified through the course of routine clinical cytogenomic testing in postnatal populations. Clinical assertions have been curated as described in Kaminsky et al. 2011.